The following is an entry in ClinVar:

NM_014272.5(ADAMTS7):c.2310C>T (p.Tyr770=)

Gene: ADAMTS7 (ADAM metallopeptidase with thrombospondin type 1 motif 7; minus strand). Cytogenetic location: 15q25.1.
Variant type: single nucleotide variant.
Coding change: c.2310C>T on transcript NM_014272.5 (MANE Select); coding-DNA position 2310, C replaced by T.
Protein change: p.Tyr770=; no amino-acid change (tyrosine 770 retained).
Molecular consequence: synonymous variant.
Genome position (GRCh38, 1-based): chr15:78,771,651, G>A on the plus strand (C>T on the coding strand, the complement: ADAMTS7 is on the minus strand). VCF-style: chr15-78771651-G-A. GRCh37 (hg19) VCF-style: chr15-79063993-G-A.
Identifiers: ClinVar variation 2645622 (VCV002645622.24), dbSNP rs760730710, ClinGen allele CA7686167.

ClinVar aggregate classification (germline): Likely benign (1 of 4 stars; one submission).

Allele frequency attached by ClinVar (database versions not stated): ExAC 0.00001; TOPMed 0.00002; gnomAD 0.00004.
gnomAD v4.1: 23 of 1,602,132 alleles (0.0014%); highest among the groups gnomAD compares: Middle Eastern, 0.022%; no homozygotes.

Submission:

CeGaT Center for Human Genetics Tuebingen
Classification: Likely benign. Last evaluated: 2022-07-01. Review status: criteria provided, single submitter. Criteria: CeGaT Center For Human Genetics Tuebingen Variant Classification Criteria Version 2. Collection method: clinical testing. Allele origin: germline. Affected: yes. Observed: 1 variant allele.
Comment: ADAMTS7: BP4, BP7